The following is an entry in ClinVar:

ClinVar aggregate classification (germline): Uncertain significance. Review status: criteria provided, multiple submitters, no conflicts (2 of 4 stars). 2 submissions from 2 submitters: Uncertain significance (2). Last evaluated 2024-09-10.

Conditions:
Hereditary cancer-predisposing syndrome. Also called: Neoplastic Syndromes, Hereditary; Tumor predisposition; Hereditary Cancer Syndrome; Hereditary neoplastic syndrome. Identifiers: Orphanet 140162, MedGen C0027672, MeSH D009386, MONDO:0015356.

Submissions (2):

GeneDx
Classification: Uncertain significance. Last evaluated: 2024-09-10. Review status: criteria provided, single submitter. Criteria: GeneDx Variant Classification Process June 2021. Collection method: clinical testing. Allele origin: germline. Affected: yes.
Comment: Has not been previously published as pathogenic or benign to our knowledge; Not observed at significant frequency in large population cohorts (gnomAD); In silico analysis indicates that this missense variant does not alter protein structure/function; This variant is associated with the following publications: (PMID: Gordon2000[Book])

Ambry Genetics
Classification: Uncertain significance for Hereditary cancer-predisposing syndrome. Last evaluated: 2022-06-04. Review status: criteria provided, single submitter. Criteria: Ambry Variant Classification Scheme 2023. Collection method: clinical testing. Allele origin: germline.
Comment: The p.G385R variant (also known as c.1153G>C), located in coding exon 11 of the FANCC gene, results from a G to C substitution at nucleotide position 1153. The glycine at codon 385 is replaced by arginine, an amino acid with dissimilar properties. This amino acid position is conserved. In addition, this alteration is predicted to be tolerated by in silico analysis. Since supporting evidence is limited at this time, the clinical significance of this alteration remains unclear.

NM_000136.3(FANCC):c.1153G>C (p.Gly385Arg)

Genes: AOPEP (aminopeptidase O (putative); plus strand), FANCC (FA complementation group C; minus strand). Cytogenetic location: 9q22.32.
Variant type: single nucleotide variant.
Coding change: c.1153G>C on transcript NM_000136.3 (MANE Select); coding-DNA position 1153, G replaced by C.
Protein change: p.Gly385Arg; replaces glycine 385 with arginine.
Molecular consequence: missense variant.
Genome position (GRCh38, 1-based): chr9:95,114,630, C>G on the plus strand (G>C on the coding strand, the complement: FANCC is on the minus strand). VCF-style: chr9-95114630-C-G. GRCh37 (hg19) VCF-style: chr9-97876912-C-G.
Other names: c.1153G>C, p.Gly385Arg (NM_001243743.2, NM_001243744.2); short protein forms G385R.
Identifiers: ClinVar variation 1734728 (VCV001734728.3), dbSNP rs2540947003, ClinGen allele CA374107904.